The following is an entry in ClinVar:

ClinVar aggregate classification (germline): Pathogenic (1 of 4 stars; one submission).

Conditions:
Hepatic veno-occlusive disease-immunodeficiency syndrome. Also called: Hepatic Veno-Occlusive Disease with Immunodeficiency. Identifiers: Orphanet 79124, MedGen C1856128, MONDO:0009338, OMIM 235550. Disease mechanism: loss of function.

Submission:

Labcorp Genetics (formerly Invitae), Labcorp
Classification: Pathogenic for Hepatic veno-occlusive disease-immunodeficiency syndrome. Last evaluated: 2025-05-04. Review status: criteria provided, single submitter. Criteria: Invitae Variant Classification Sherloc (09022015). Collection method: clinical testing. Allele origin: germline.
Comment: This sequence change creates a premature translational stop signal (p.Asp237Thrfs*16) in the SP110 gene. It is expected to result in an absent or disrupted protein product. Loss-of-function variants in SP110 are known to be pathogenic (PMID: 16648851, 22621957). This variant is not present in population databases (gnomAD no frequency). This variant has not been reported in the literature in individuals affected with SP110-related conditions. Algorithms developed to predict the effect of sequence changes on RNA splicing suggest that this variant may disrupt the consensus splice site. For these reasons, this variant has been classified as Pathogenic.

Literature cited by the submitters: PubMed 16648851; PubMed 22621957.

NM_080424.4(SP110):c.708del (p.Asp237fs)

Genes: SP140 (SP140 nuclear body protein; plus strand), SP110 (SP110 nuclear body protein; minus strand). Cytogenetic location: 2q37.1.
Variant type: Deletion.
Coding change: c.708del on transcript NM_080424.4 (MANE Select); coding-DNA position 708, one base deleted (A; older notation c.708delA).
Protein change: p.Asp237fs; shifts the reading frame from aspartic acid 237.
Molecular consequence: frameshift variant.
Genome position (GRCh38, 1-based): chr2:230,211,513, T deleted on the plus strand (A on the coding strand, the reverse complement: SP110 is on the minus strand); the first of 2 consecutive T bases (chr2:230,211,513-230,211,514); deleting either gives the same sequence. VCF-style (leftmost placement, unchanged base first): chr2-230211512-CT-C. GRCh37 (hg19) VCF-style: chr2-231076227-CT-C.
Other names: c.726del, p.Asp243fs (NM_001185015.2, NM_001378442.1, NM_001378444.1 and 2 more transcripts); c.708del, p.Asp237fs (NM_001378443.1, NM_001378447.1, NM_004509.5 and 1 more transcripts); short protein forms D243fs, D237fs.
Identifiers: ClinVar variation 4718911 (VCV004718911.1).